The following is an entry in ClinVar:

NM_022089.4(ATP13A2):c.572dup (p.Arg192fs)

Gene: ATP13A2 (ATPase cation transporting 13A2; minus strand). Cytogenetic location: 1p36.13.
Variant type: Duplication.
Coding change: c.572dup on transcript NM_022089.4 (MANE Select); coding-DNA position 572, one base duplicated (G; older notation c.572dupG).
Protein change: p.Arg192fs; shifts the reading frame from arginine 192.
Molecular consequence: frameshift variant.
Genome position (GRCh38, 1-based): chr1:17,002,359, C duplicated on the plus strand (G on the coding strand, the reverse complement: ATP13A2 is on the minus strand); the first of 2 consecutive C bases (chr1:17,002,359-17,002,360); duplicating either gives the same sequence. VCF-style (leftmost placement, unchanged base first): chr1-17002358-G-GC. GRCh37 (hg19) VCF-style: chr1-17328853-G-GC.
Other names: c.557dup, p.Arg187fs (NM_001141973.3, NM_001141974.3); short protein forms R192fs, R187fs.
Identifiers: ClinVar variation 2039313 (VCV002039313.4), dbSNP rs2524203249, ClinGen allele CA2580060605.

ClinVar aggregate classification (germline): Pathogenic (1 of 4 stars; one submission).

Conditions:
Kufor-Rakeb syndrome (KRS). Also called: PARKINSON DISEASE 9, AUTOSOMAL RECESSIVE, JUVENILE-ONSET. Identifiers: Orphanet 306674, Orphanet 314632, MedGen C1847640, MONDO:0011706, OMIM 606693.
Autosomal recessive spastic paraplegia type 78. Identifiers: Orphanet 513436, MedGen C5567893, MONDO:0014975, OMIM 617225.

Submission:

Labcorp Genetics (formerly Invitae), Labcorp
Classification: Pathogenic for Kufor-Rakeb syndrome; Autosomal recessive spastic paraplegia type 78. Last evaluated: 2022-09-15. Review status: criteria provided, single submitter. Criteria: Invitae Variant Classification Sherloc (09022015). Collection method: clinical testing. Allele origin: germline.
Comment: This sequence change creates a premature translational stop signal (p.Arg192Profs*4) in the ATP13A2 gene. It is expected to result in an absent or disrupted protein product. Loss-of-function variants in ATP13A2 are known to be pathogenic (PMID: 16964263, 21696388). This variant is not present in population databases (gnomAD no frequency). This variant has not been reported in the literature in individuals affected with ATP13A2-related conditions. For these reasons, this variant has been classified as Pathogenic.

Literature cited by the submitters: PubMed 16964263; PubMed 21696388.